The following is an entry in ClinVar:

NM_001365536.1(SCN9A):c.2242C>G (p.Leu748Val)

Genes: SCN1A-AS1 (SCN1A and SCN9A antisense RNA 1; plus strand), SCN9A (sodium voltage-gated channel alpha subunit 9; minus strand). Cytogenetic location: 2q24.3.
Variant type: single nucleotide variant.
Coding change: c.2242C>G on transcript NM_001365536.1 (MANE Select); coding-DNA position 2242, C replaced by G.
Protein change: p.Leu748Val; replaces leucine 748 with valine.
Molecular consequence: missense variant.
Genome position (GRCh38, 1-based): chr2:166,280,458, G>C on the plus strand (C>G on the coding strand, the complement: SCN9A is on the minus strand). VCF-style: chr2-166280458-G-C. GRCh37 (hg19) VCF-style: chr2-167136968-G-C.
Other names: c.2209C>G, p.Leu737Val (NM_002977.4); short protein forms L737V, L748V.
Identifiers: ClinVar variation 1013965 (VCV001013965.9), dbSNP rs764893083, ClinGen allele CA1944306.

ClinVar aggregate classification (germline): Uncertain significance. Review status: criteria provided, multiple submitters, no conflicts (2 of 4 stars). 3 submissions from 3 submitters: Uncertain significance (3). Last evaluated 2025-08-06.

Conditions:
Inborn genetic diseases. Identifiers: MedGen C0950123, MeSH D030342.
Generalized epilepsy with febrile seizures plus, type 7 (GEFSP7). Also called: GEFS+, TYPE 7. Identifiers: Orphanet 36387, MedGen C2751778, MONDO:0013470, OMIM 613863.
Neuropathy, hereditary sensory and autonomic, type 2A (HSAN2A). Also called: ACROOSTEOLYSIS, GIACCAI TYPE; ACROOSTEOLYSIS, NEUROGENIC; MORVAN DISEASE; NEUROPATHY, CONGENITAL SENSORY; NEUROPATHY, HEREDITARY SENSORY RADICULAR, AUTOSOMAL RECESSIVE; NEUROPATHY, HEREDITARY SENSORY, TYPE IIA. Identifiers: Orphanet 970, MedGen C2752089, MONDO:0024309, OMIM 201300.

Allele frequency attached by ClinVar (database versions not stated): gnomAD exomes below 0.00001 and 0.00001; ExAC 0.00002; gnomAD 0.00003 and 0.00004; TOPMed 0.00005.
gnomAD v4.1: 15 of 1,586,836 alleles (0.00095%); highest among the groups gnomAD compares: Admixed American, 0.0053%; no homozygotes.

Submissions (3):

Ambry Genetics
Classification: Uncertain significance for Inborn genetic diseases. Last evaluated: 2025-08-06. Review status: criteria provided, single submitter. Criteria: Ambry Variant Classification Scheme 2023. Collection method: clinical testing. Allele origin: germline.

Labcorp Genetics (formerly Invitae), Labcorp
Classification: Uncertain significance for Neuropathy, hereditary sensory and autonomic, type 2A; Generalized epilepsy with febrile seizures plus, type 7. Last evaluated: 2025-04-21. Review status: criteria provided, single submitter. Criteria: Invitae Variant Classification Sherloc (09022015). Collection method: clinical testing. Allele origin: germline.
Comment: This sequence change replaces leucine, which is neutral and non-polar, with valine, which is neutral and non-polar, at codon 737 of the SCN9A protein (p.Leu737Val). This variant is present in population databases (rs764893083, gnomAD 0.001%). This variant has not been reported in the literature in individuals affected with SCN9A-related conditions. ClinVar contains an entry for this variant (Variation ID: 1013965). Invitae Evidence Modeling of protein sequence and biophysical properties (such as structural, functional, and spatial information, amino acid conservation, physicochemical variation, residue mobility, and thermodynamic stability) has been performed for this missense variant. However, the output from this modeling did not meet the statistical confidence thresholds required to predict the impact of this variant on SCN9A protein function. In summary, the available evidence is currently insufficient to determine the role of this variant in disease. Therefore, it has been classified as a Variant of Uncertain Significance.

GeneDx
Classification: Uncertain significance. Last evaluated: 2022-01-18. Review status: criteria provided, single submitter. Criteria: GeneDx Variant Classification Process June 2021. Collection method: clinical testing. Allele origin: germline. Affected: yes.
Comment: Not observed at significant frequency in large population cohorts (gnomAD); In silico analysis supports that this missense variant has a deleterious effect on protein structure/function; Has not been previously published as pathogenic or benign to our knowledge